The following is an entry in ClinVar:

ClinVar aggregate classification (germline): Uncertain significance (1 of 4 stars; one submission).

Conditions:
Hereditary cancer-predisposing syndrome. Also called: Hereditary neoplastic syndrome; Neoplastic Syndromes, Hereditary; Hereditary Cancer Syndrome; Tumor predisposition. Identifiers: Orphanet 140162, MedGen C0027672, MeSH D009386, MONDO:0015356.

Submission:

Labcorp Genetics (formerly Invitae), Labcorp
Classification: Uncertain significance for Hereditary cancer-predisposing syndrome. Last evaluated: 2022-12-17. Review status: criteria provided, single submitter. Criteria: Invitae Variant Classification Sherloc (09022015). Collection method: clinical testing. Allele origin: germline.
Comment: Advanced modeling of protein sequence and biophysical properties (such as structural, functional, and spatial information, amino acid conservation, physicochemical variation, residue mobility, and thermodynamic stability) has been performed at Invitae for this missense variant, however the output from this modeling did not meet the statistical confidence thresholds required to predict the impact of this variant on RAD50 protein function. This variant has not been reported in the literature in individuals affected with RAD50-related conditions. This variant is not present in population databases (gnomAD no frequency). This sequence change replaces isoleucine, which is neutral and non-polar, with valine, which is neutral and non-polar, at codon 1109 of the RAD50 protein (p.Ile1109Val). In summary, the available evidence is currently insufficient to determine the role of this variant in disease. Therefore, it has been classified as a Variant of Uncertain Significance.

NM_005732.4(RAD50):c.3325A>G (p.Ile1109Val)

Gene: RAD50 (RAD50 double strand break repair protein; plus strand). Cytogenetic location: 5q31.1.
Variant type: single nucleotide variant.
Coding change: c.3325A>G on transcript NM_005732.4 (MANE Select); coding-DNA position 3325, A replaced by G.
Protein change: p.Ile1109Val; replaces isoleucine 1109 with valine.
Molecular consequence: missense variant.
Genome position (GRCh38, 1-based): chr5:132,618,230, A>G. VCF-style: chr5-132618230-A-G. GRCh37 (hg19) VCF-style: chr5-131953922-A-G.
Other names: short protein forms I1109V.
Identifiers: ClinVar variation 2801995 (VCV002801995.3), dbSNP rs2479388792, ClinGen allele CA360964876.